The following is an entry in ClinVar:

ClinVar aggregate classification (germline): Benign. Review status: criteria provided, multiple submitters, no conflicts (2 of 4 stars). 2 submissions from 2 submitters: Benign (2). Last evaluated 2018-06-18.

Allele frequency attached by ClinVar (database versions not stated): TOPMed 0.20213; 1000 Genomes Project 0.28774; 1000 Genomes Project 30x 0.29091.
gnomAD v4.1: 124,030 of 1,500,782 alleles (8.3%); highest among the groups gnomAD compares: African/African-American, 47%; 13,999 homozygotes.

Submissions (2):

GeneDx
Classification: Benign. Last evaluated: 2018-06-18. Review status: criteria provided, single submitter. Criteria: GeneDx Variant Classification (06012015). Collection method: clinical testing. Allele origin: germline. Affected: yes.
Comment: This variant is considered likely benign or benign based on one or more of the following criteria: it is a conservative change, it occurs at a poorly conserved position in the protein, it is predicted to be benign by multiple in silico algorithms, and/or has population frequency not consistent with disease.

Breakthrough Genomics
Classification: Benign. Review status: criteria provided, single submitter. Criteria: ACMG Guidelines, 2015. Collection method: not provided. Allele origin: germline. Inheritance: Autosomal dominant inheritance. Affected: yes.

NM_001458.5(FLNC):c.5843-88G>C

Genes: FLNC (filamin C; plus strand), FLNC-AS1 (FLNC antisense RNA 1; minus strand). Cytogenetic location: 7q32.1.
Variant type: single nucleotide variant.
Coding change: c.5843-88G>C on transcript NM_001458.5 (MANE Select); 88 bases into the intron before coding-DNA position 5843, G replaced by C.
Molecular consequence: intron variant.
Genome position (GRCh38, 1-based): chr7:128,852,503, G>C. VCF-style: chr7-128852503-G-C. GRCh37 (hg19) VCF-style: chr7-128492557-G-C.
Other names: c.5744-88G>C (NM_001127487.2).
Identifiers: ClinVar variation 681835 (VCV000681835.2), dbSNP rs61044960, ClinGen allele CA12619182.